The following is an entry in ClinVar:

ClinVar aggregate classification (germline): Likely benign. Review status: criteria provided, multiple submitters, no conflicts (2 of 4 stars). 5 submissions from 5 submitters: Likely benign (5). Last evaluated 2025-10-02.

Conditions:
Inborn genetic diseases. Identifiers: MedGen C0950123, MeSH D030342.
KBG syndrome (KBGS). Also called: ANKRD11-Related KBG Syndrome. Identifiers: Orphanet 2332, MedGen C0220687, MONDO:0007846, OMIM 148050.

Allele frequency attached by ClinVar (database versions not stated): gnomAD 0.00013; gnomAD exomes 0.00013; ExAC 0.00014; 1000 Genomes Project 0.00020; TOPMed 0.00020; 1000 Genomes Project 30x 0.00031; ESP Exome Variant Server 0.00031.
gnomAD v4.1: 175 of 1,614,082 alleles (0.011%); highest among the groups gnomAD compares: Middle Eastern, 0.63%; 1 homozygote.

Submissions (5):

Labcorp Genetics (formerly Invitae), Labcorp
Classification: Likely benign for KBG syndrome. Last evaluated: 2025-10-02. Review status: criteria provided, single submitter. Criteria: Invitae Variant Classification Sherloc (09022015). Collection method: clinical testing. Allele origin: germline.

Blueprint Genetics
Classification: Likely benign. Last evaluated: 2024-09-19. Review status: criteria provided, single submitter. Criteria: ACMG Guidelines, 2015. Collection method: clinical testing. Allele origin: germline.

CeGaT Center for Human Genetics Tuebingen
Classification: Likely benign. Last evaluated: 2023-03-01. Review status: criteria provided, single submitter. Criteria: CeGaT Center For Human Genetics Tuebingen Variant Classification Criteria Version 2. Collection method: clinical testing. Allele origin: germline. Affected: yes. Observed: 2 variant alleles.
Comment: ANKRD11: BP4, BP7

GeneDx
Classification: Likely benign. Last evaluated: 2019-08-15. Review status: criteria provided, single submitter. Criteria: GeneDx Variant Classification Process June 2021. Collection method: clinical testing. Allele origin: germline. Affected: yes.

Ambry Genetics
Classification: Likely benign for Inborn genetic diseases. Last evaluated: 2016-07-07. Review status: criteria provided, single submitter. Criteria: Ambry Variant Classification Scheme 2023. Collection method: clinical testing. Allele origin: germline.

NM_013275.6(ANKRD11):c.1035C>T (p.Asp345=)

Gene: ANKRD11 (ankyrin repeat domain 11; minus strand). Cytogenetic location: 16q24.3.
Variant type: single nucleotide variant.
Coding change: c.1035C>T on transcript NM_013275.6 (MANE Select); coding-DNA position 1035, C replaced by T.
Protein change: p.Asp345=; no amino-acid change (aspartic acid 345 retained).
Molecular consequence: synonymous variant.
Genome position (GRCh38, 1-based): chr16:89,285,507, G>A on the plus strand (C>T on the coding strand, the complement: ANKRD11 is on the minus strand). VCF-style: chr16-89285507-G-A. GRCh37 (hg19) VCF-style: chr16-89351915-G-A.
Other names: c.1035C>T, p.Asp345= (NM_001256182.2, NM_001256183.2).
Identifiers: ClinVar variation 588037 (VCV000588037.36), dbSNP rs376386664, ClinGen allele CA8242868.
Genomic context (GRCh38, chr16:89,285,507, plus strand): 5'-GTGCTTGTCGTCCACCGGAGGAACCCTGTCCTGCTCGTCGTCCTCATCAAACTCATACTC[G>A]TCCTTGACGGGGGCCGTGGCCTTCTGTGGCTCTGGGTTCTTGGCCTTGTGCTTGAGGCCT-3'
Protein context (NP_037407.4, residues 335-355): EPQKATAPVK[Asp345=]EYEFDEDDEQ